The following is an entry in ClinVar:

ClinVar aggregate classification (germline): Uncertain significance (1 of 4 stars; one submission).

Submission:

Labcorp Genetics (formerly Invitae), Labcorp
Classification: Uncertain significance. Last evaluated: 2024-01-08. Review status: criteria provided, single submitter. Criteria: Invitae Variant Classification Sherloc (09022015). Collection method: clinical testing. Allele origin: germline.
Comment: This sequence change replaces aspartic acid, which is acidic and polar, with glutamic acid, which is acidic and polar, at codon 370 of the SIAE protein (p.Asp370Glu). This variant is not present in population databases (gnomAD no frequency). This variant has not been reported in the literature in individuals affected with SIAE-related conditions. An algorithm developed to predict the effect of missense changes on protein structure and function (PolyPhen-2) suggests that this variant is likely to be tolerated. In summary, the available evidence is currently insufficient to determine the role of this variant in disease. Therefore, it has been classified as a Variant of Uncertain Significance.

NM_170601.5(SIAE):c.1110C>G (p.Asp370Glu)

Gene: SIAE (sialic acid acetylesterase; minus strand). Cytogenetic location: 11q24.2.
Variant type: single nucleotide variant.
Coding change: c.1110C>G on transcript NM_170601.5 (MANE Select); coding-DNA position 1110, C replaced by G.
Protein change: p.Asp370Glu; replaces aspartic acid 370 with glutamic acid.
Molecular consequence: missense variant.
Genome position (GRCh38, 1-based): chr11:124,639,724, G>C on the plus strand (C>G on the coding strand, the complement: SIAE is on the minus strand). VCF-style: chr11-124639724-G-C. GRCh37 (hg19) VCF-style: chr11-124509620-G-C.
Other names: c.1005C>G, p.Asp335Glu (NM_001199922.2); short protein forms D370E, D335E.
Identifiers: ClinVar variation 2814459 (VCV002814459.3), dbSNP rs2496882728, ClinGen allele CA383145258.